The following is an entry in ClinVar:

ClinVar aggregate classification (germline): Pathogenic (3 of 4 stars; one submission).

Conditions:
Breast-ovarian cancer, familial, susceptibility to, 1 (BROVCA1). Also called: BRCA1 Hereditary Breast and Ovarian Cancer; OVARIAN CANCER, SUSCEPTIBILITY TO. Identifiers: Orphanet 145, MedGen C2676676, MONDO:0011450, OMIM 604370. Disease mechanism: loss of function.

Submission:

Evidence-based Network for the Interpretation of Germline Mutant Alleles (ENIGMA)
Classification: Pathogenic for Breast-ovarian cancer, familial, susceptibility to, 1. Last evaluated: 2017-12-15. Review status: reviewed by expert panel. Criteria: ENIGMA BRCA1/2 Classification Criteria (2017-06-29). Collection method: curation. Allele origin: germline. Study: ENIGMA.
Comment: Variant allele predicted to encode a truncated non-functional protein.

NM_007294.4(BRCA1):c.4018_4019dup (p.Leu1340fs)

Genes: BRCA1 (BRCA1 DNA repair associated; minus strand), LOC126862571 (BRD4-independent group 4 enhancer GRCh37_chr17:41243136-41244335; plus strand). Cytogenetic location: 17q21.31.
Variant type: Duplication.
Coding change: c.4018_4019dup on transcript NM_007294.4 (MANE Select); coding-DNA positions 4018 to 4019, 2 bases duplicated (TT; older notation c.4018_4019dupTT).
Protein change: p.Leu1340fs; shifts the reading frame from leucine 1340.
Molecular consequence: frameshift variant. On other transcripts: intron variant (135).
Genome position (GRCh38, 1-based): chr17:43,091,512-43,091,513, AA duplicated on the plus strand (TT on the coding strand, the reverse complement: BRCA1 is on the minus strand). VCF-style (leftmost placement, unchanged base first): chr17-43091511-C-CAA. GRCh37 (hg19) VCF-style: chr17-41243528-C-CAA.
Other names: c.4018_4019dupTT (NM_007294.3); c.710-481_710-480dup (NM_001408411.1, NM_001408415.1, NM_001408412.1 and 2 more transcripts); c.578-481_578-480dup (NM_001408514.1, NM_001408485.1, NM_001408483.1 and 9 more transcripts); c.662-481_662-480dup (NM_001408447.1, NM_001408433.1, NM_001408446.1 and 6 more transcripts); c.785-481_785-480dup (NM_001408400.1, NM_001408392.1, NM_001407986.1 and 13 more transcripts); c.665-481_665-480dup (NM_001408441.1, NM_001408437.1, NM_001408429.1 and 12 more transcripts); c.788-481_788-480dup (NM_001407979.1, NM_001407977.1, NM_001407982.1 and 17 more transcripts); c.647-481_647-480dup (NM_001408410.1, NM_001408458.1, NM_001408469.1 and 11 more transcripts); and 42 more; short protein forms L1293fs, L1340fs, L1229fs, L1252fs, L1270fs, L1339fs, L1044fs, L1228fs.
Identifiers: ClinVar variation 548162 (VCV000548162.2), dbSNP rs1555586639, ClinGen allele CA658825033.
Genomic context (GRCh38, chr17:43,091,511, plus strand): 5'-GCTTTGCTCTTCTTGATTATTTTCTTCCAAGCCCGTTCCTCTTTCTTCATCATCTGAAAC[C>CAA]AATTCCTTGTCACTCAGACCAACTCCCTGGCTTTCAGACTGATGCCTCATTTGTTTGGAA-3'